The following is an entry in ClinVar:

ClinVar aggregate classification (germline): Pathogenic (1 of 4 stars; one submission).

Conditions:
Hereditary cancer-predisposing syndrome. Also called: Neoplastic Syndromes, Hereditary; Hereditary Cancer Syndrome; Hereditary neoplastic syndrome; Tumor predisposition. Identifiers: Orphanet 140162, MedGen C0027672, MeSH D009386, MONDO:0015356.

Submission:

Ambry Genetics
Classification: Pathogenic for Hereditary cancer-predisposing syndrome. Last evaluated: 2026-04-30. Review status: criteria provided, single submitter. Criteria: Ambry Variant Classification Scheme 2023. Collection method: clinical testing. Allele origin: germline.
Comment: The c.290delG pathogenic mutation, located in coding exon 3 of the FH gene, results from a deletion of one nucleotide at nucleotide position 290, causing a translational frameshift with a predicted alternate stop codon (p.G97Afs*3). This variant was reported in individual(s) with features consistent with FH-related tumor predisposition (Ambry internal data). This variant is considered to be rare based on population cohorts in the Genome Aggregation Database (gnomAD). This variant is expected to result in loss of function by premature protein truncation or nonsense-mediated mRNA decay. As such, this variant is interpreted as a disease-causing mutation.

NM_000143.4(FH):c.290del (p.Gly97fs)

Gene: FH (fumarate hydratase; minus strand). Cytogenetic location: 1q43.
Variant type: Deletion.
Coding change: c.290del on transcript NM_000143.4 (MANE Select); coding-DNA position 290, one base deleted (G; older notation c.290delG).
Protein change: p.Gly97fs; shifts the reading frame from glycine 97.
Molecular consequence: frameshift variant.
Genome position (GRCh38, 1-based): chr1:241,513,691, C deleted on the plus strand (G on the coding strand, the reverse complement: FH is on the minus strand); the first of 2 consecutive C bases (chr1:241,513,691-241,513,692); deleting either gives the same sequence. VCF-style (leftmost placement, unchanged base first): chr1-241513690-GC-G. GRCh37 (hg19) VCF-style: chr1-241676990-GC-G.
Other names: c.290delG (NM_000143.3); short protein forms G97fs.
Identifiers: ClinVar variation 4871328 (VCV004871328.1).